The following is an entry in ClinVar:

NM_001365902.3(NFIX):c.28-3179G>A

Gene: NFIX (nuclear factor I X; plus strand). Cytogenetic location: 19p13.13.
Variant type: single nucleotide variant.
Coding change: c.28-3179G>A on transcript NM_001365902.3 (MANE Select); 3179 bases into the intron before coding-DNA position 28, G replaced by A.
Molecular consequence: intron variant.
Genome position (GRCh38, 1-based): chr19:13,021,842, G>A. VCF-style: chr19-13021842-G-A. GRCh37 (hg19) VCF-style: chr19-13132656-G-A.
Other names: c.28-3179G>A (NM_002501.4, NM_001365982.2).
Identifiers: ClinVar variation 4292622 (VCV004292622.1).
Genomic context (GRCh38, chr19:13,021,842, plus strand): 5'-CTTTCTGCTTGCTGTGAGGAAGGTCCCCAAGTGGAGGACCAGAGCAGGGGCTCCCCGGTG[G>A]GTCACTTCTCTGTGACTTGATTTCCCCCAGGTGGCCTGTTTTTGATAGAGCCCTTTGCTG-3'

ClinVar aggregate classification (germline): Uncertain significance (1 of 4 stars; one submission).

Conditions:
NFIX-related disorder. Also called: NFIX-related condition.

Submission:

3billion
Classification: Uncertain significance for NFIX-related disorder. Last evaluated: 2024-10-28. Review status: criteria provided, single submitter. Criteria: ACMG Guidelines, 2015. Collection method: clinical testing. Allele origin: germline. Affected: yes.
Comment: The variant is not observed in the gnomAD v4.1.0 dataset. Predicted Consequence/Location: Intron variant In silico tools predict the variant to alter splicing and produce an abnormal transcript [SpliceAI: 0.58 (>=0.2, moderate evidence for spliceogenicity)]. Therefore, this variant is classified as VUS according to the recommendation of ACMG/AMP guideline.